The following is an entry in ClinVar:

ClinVar aggregate classification (germline): Uncertain significance (1 of 4 stars; one submission).

Conditions:
Malignant hyperthermia, susceptibility to, 1 (MHS1). Also called: Anesthesia related hyperthermia; Malignant hyperpyrexia; Fulminating hyperpyrexia; Pharmacogenic myopathy; RYR1-Related Malignant Hyperthermia Susceptibility; Malignant hyperthermia suceptibility 1. Identifiers: Orphanet 423, MedGen C2930980, MONDO:0007783, OMIM 145600.

Submission:

All of Us Research Program, National Institutes of Health
Classification: Uncertain significance for Malignant hyperthermia, susceptibility to, 1. Last evaluated: 2024-07-29. Review status: criteria provided, single submitter. Criteria: ACMG Guidelines, 2015. Collection method: clinical testing. Allele origin: germline. Inheritance: Autosomal dominant inheritance. Observed: 1 variant allele, 1 heterozygote.
Comment: This missense variant replaces valine with methionine at codon 665 of the RYR1 protein. Computational prediction is inconclusive regarding the impact of this variant on protein structure and function (internally defined REVEL score threshold 0.5 < inconclusive < 0.7, PMID: 27666373). To our knowledge, functional studies have not been reported for this variant. This variant has not been reported in individuals affected with RYR1-related disorders in the literature. This variant has not been identified in the general population by the Genome Aggregation Database (gnomAD). The available evidence is insufficient to determine the role of this variant in disease conclusively. Therefore, this variant is classified as a Variant of Uncertain Significance.

This study involves interpretation of variants in research participants for the purpose of population health screening. Participant phenotype was not available at the time of variant classification. Additional details can be found in publication PMID: 35346344, PMCID: PMC8962531

NM_000540.3(RYR1):c.1993G>A (p.Val665Met)

Gene: RYR1 (ryanodine receptor 1; plus strand). Cytogenetic location: 19q13.2.
Variant type: single nucleotide variant.
Coding change: c.1993G>A on transcript NM_000540.3 (MANE Select); coding-DNA position 1993, G replaced by A.
Protein change: p.Val665Met; replaces valine 665 with methionine.
Molecular consequence: missense variant.
Genome position (GRCh38, 1-based): chr19:38,458,118, G>A. VCF-style: chr19-38458118-G-A. GRCh37 (hg19) VCF-style: chr19-38948758-G-A.
Other names: c.1993G>A, p.Val665Met (NM_001042723.2); short protein forms V665M.
Identifiers: ClinVar variation 3387662 (VCV003387662.1).